The following is an entry in ClinVar:

NM_000516.7(GNAS):c.342G>A (p.Val114=)

Gene: GNAS (GNAS complex locus; plus strand). Cytogenetic location: 20q13.32.
Variant type: single nucleotide variant.
Coding change: c.342G>A on transcript NM_000516.7 (MANE Select); coding-DNA position 342, G replaced by A.
Protein change: p.Val114=; no amino-acid change (valine 114 retained).
Molecular consequence: synonymous variant. On other transcripts: 3 prime UTR variant (2).
Genome position (GRCh38, 1-based): chr20:58,903,701, G>A. VCF-style: chr20-58903701-G-A. GRCh37 (hg19) VCF-style: chr20-57478756-G-A.
Other names: c.345G>A, p.Val115= (NM_001077488.5); c.297G>A, p.Val99= (NM_001077489.4); c.*203G>A (NM_001077490.3); c.165G>A, p.Val55= (NM_001309840.2, NM_001309861.2); c.246G>A, p.Val82= (NM_001410912.1); c.2226G>A, p.Val742= (NM_001410913.1); c.*248G>A (NM_016592.5); c.2271G>A, p.Val757= (NM_080425.4); and 2 more.
Identifiers: ClinVar variation 2895702 (VCV002895702.4), dbSNP rs375410323, ClinGen allele CA9927065.
Genomic context (GRCh38, chr20:58,903,701, plus strand): 5'-TTCCCTGACCGCTTTGCTAAATCATTTTCAGACCATTGTGGCCGCCATGAGCAACCTGGT[G>A]CCCCCCGTGGAGCTGGCCAACCCCGAGAACCAGTTCAGAGTGGACTACATCCTGAGTGTG-3'
Protein context (NP_000507.1, residues 104-124): ETIVAAMSNL[Val114=]PPVELANPEN

ClinVar aggregate classification (germline): Likely benign. Review status: criteria provided, multiple submitters, no conflicts (2 of 4 stars). 2 submissions from 2 submitters: Likely benign (2). Last evaluated 2024-12-03.

Conditions:
GNAS-related disorder. Identifiers: MedGen CN380105.

Allele frequency attached by ClinVar (database versions not stated): gnomAD 0.00001; TOPMed 0.00001; ExAC 0.00002; gnomAD exomes 0.00006; ESP Exome Variant Server 0.00008.
gnomAD v4.1: 86 of 1,613,742 alleles (0.0053%); highest among the groups gnomAD compares: Non-Finnish European, 0.0069%; no homozygotes.

Submissions (2):

PreventionGenetics, part of Exact Sciences
Classification: Likely benign for GNAS-related condition. Last evaluated: 2024-12-03. Review status: criteria provided, single submitter. Criteria: ACMG Guidelines, 2015. Collection method: clinical testing. Allele origin: germline.
Comment: This variant is classified as likely benign based on ACMG/AMP sequence variant interpretation guidelines (Richards et al. 2015 PMID: 25741868, with internal and published modifications).

Labcorp Genetics (formerly Invitae), Labcorp
Classification: Likely benign. Last evaluated: 2024-11-25. Review status: criteria provided, single submitter. Criteria: Invitae Variant Classification Sherloc (09022015). Collection method: clinical testing. Allele origin: germline.